The following is an entry in ClinVar:

NM_152753.4(SCUBE3):c.1735C>T (p.Arg579Trp)

Gene: SCUBE3 (signal peptide, CUB domain and EGF like domain containing 3; plus strand). Cytogenetic location: 6p21.31.
Variant type: single nucleotide variant.
Coding change: c.1735C>T on transcript NM_152753.4 (MANE Select); coding-DNA position 1735, C replaced by T.
Protein change: p.Arg579Trp; replaces arginine 579 with tryptophan.
Molecular consequence: missense variant.
Genome position (GRCh38, 1-based): chr6:35,243,062, C>T. VCF-style: chr6-35243062-C-T. GRCh37 (hg19) VCF-style: chr6-35210839-C-T.
Other names: c.1732C>T, p.Arg578Trp (NM_001303136.2); short protein forms R578W, R579W.
Identifiers: ClinVar variation 2637549 (VCV002637549.1), dbSNP rs143191991, ClinGen allele CA3769579.

ClinVar aggregate classification (germline): Uncertain significance (1 of 4 stars; one submission).

Allele frequency attached by ClinVar (database versions not stated): TOPMed 0.00105; ESP Exome Variant Server 0.00108; 1000 Genomes Project 0.00080; 1000 Genomes Project 30x 0.00094; gnomAD 0.00103; gnomAD exomes 0.00012; ExAC 0.00022.
gnomAD v4.1: 328 of 1,614,118 alleles (0.02%); highest among the groups gnomAD compares: African/African-American, 0.39%; 1 homozygote.

Submission:

Women's Health and Genetics/Laboratory Corporation of America, LabCorp
Classification: Uncertain significance. Last evaluated: 2023-10-30. Review status: criteria provided, single submitter. Criteria: LabCorp Variant Classification Summary - May 2015. Collection method: clinical testing. Allele origin: germline.
Comment: Variant summary: SCUBE3 c.1732C>T (p.Arg578Trp) results in a non-conservative amino acid change in the encoded protein sequence. Four of five in-silico tools predict a damaging effect of the variant on protein function. The variant allele was found at a frequency of 0.00021 in 250428 control chromosomes (gnomAD). To our knowledge, no occurrence of c.1732C>T in individuals affected with Short Stature, Facial Dysmorphism, And Skeletal Anomalies With Or Without Cardiac Anomalies 2 and no experimental evidence demonstrating its impact on protein function have been reported. No submitters have cited clinical-significance assessments for this variant to ClinVar after 2014. Based on the evidence outlined above, the variant was classified as uncertain significance.